The following is an entry in ClinVar:

ClinVar aggregate classification (germline): Pathogenic (1 of 4 stars; one submission).

Submission:

Labcorp Genetics (formerly Invitae), Labcorp
Classification: Pathogenic. Last evaluated: 2022-07-21. Review status: criteria provided, single submitter. Criteria: Invitae Variant Classification Sherloc (09022015). Collection method: clinical testing. Allele origin: germline.
Comment: For these reasons, this variant has been classified as Pathogenic. This variant has not been reported in the literature in individuals affected with EYS-related conditions. This variant is not present in population databases (gnomAD no frequency). This sequence change creates a premature translational stop signal (p.Pro936Leufs*11) in the EYS gene. It is expected to result in an absent or disrupted protein product. Loss-of-function variants in EYS are known to be pathogenic (PMID: 18836446, 20333770).

Literature cited by the submitters: PubMed 18836446; PubMed 20333770.

NM_001142800.2(EYS):c.2807del (p.Pro936fs)

Gene: EYS (EGF-like photoreceptor maintenance factor; minus strand). Cytogenetic location: 6q12.
Variant type: Deletion.
Coding change: c.2807del on transcript NM_001142800.2 (MANE Select); coding-DNA position 2807, one base deleted (C; older notation c.2807delC).
Protein change: p.Pro936fs; shifts the reading frame from proline 936.
Molecular consequence: frameshift variant.
Genome position (GRCh38, 1-based): chr6:64,902,152, G deleted on the plus strand (C on the coding strand, the reverse complement: EYS is on the minus strand); the first of 2 consecutive G bases (chr6:64,902,152-64,902,153); deleting either gives the same sequence. VCF-style (leftmost placement, unchanged base first): chr6-64902151-AG-A. GRCh37 (hg19) VCF-style: chr6-65612044-AG-A.
Other names: c.2807del, p.Pro936fs (NM_001292009.2); short protein forms P936fs.
Identifiers: ClinVar variation 2018486 (VCV002018486.4), dbSNP rs2533359005, ClinGen allele CA2580075653.